The following is an entry in ClinVar:

NM_001048174.2(MUTYH):c.631G>C (p.Val211Leu)

Gene: MUTYH (mutY DNA glycosylase; minus strand). Cytogenetic location: 1p34.1.
Variant type: single nucleotide variant.
Coding change: c.631G>C on transcript NM_001048174.2 (MANE Select); coding-DNA position 631, G replaced by C.
Protein change: p.Val211Leu; replaces valine 211 with leucine.
Molecular consequence: missense variant. On other transcripts: non-coding transcript variant (2).
Genome position (GRCh38, 1-based): chr1:45,332,464, C>G on the plus strand (G>C on the coding strand, the complement: MUTYH is on the minus strand). VCF-style: chr1-45332464-C-G. GRCh37 (hg19) VCF-style: chr1-45798136-C-G.
Other names: c.631G>C, p.Val211Leu (NM_001048171.2, NM_001048173.2, NM_001293195.2); c.634G>C, p.Val212Leu (NM_001048172.2); c.715G>C, p.Val239Leu (NM_001128425.2); c.676G>C, p.Val226Leu (NM_001293190.2); c.664G>C, p.Val222Leu (NM_001293191.2); c.355G>C, p.Val119Leu (NM_001293192.2, NM_001293196.2); c.286G>C, p.Val96Leu (NM_001350650.2, NM_001350651.2); c.706G>C, p.Val236Leu (NM_012222.3); short protein forms V239L, V236L, V226L, V222L, V119L, V211L, V212L, V96L.
Identifiers: ClinVar variation 483915 (VCV000483915.5), dbSNP rs759295912, ClinGen allele CA340134881.

ClinVar aggregate classification (germline): Uncertain significance (1 of 4 stars; one submission).

Conditions:
Hereditary cancer-predisposing syndrome. Also called: Neoplastic Syndromes, Hereditary; Tumor predisposition; Hereditary Cancer Syndrome; Hereditary neoplastic syndrome. Identifiers: Orphanet 140162, MedGen C0027672, MeSH D009386, MONDO:0015356.

Submission:

Ambry Genetics
Classification: Uncertain significance for Hereditary cancer-predisposing syndrome. Last evaluated: 2016-10-13. Review status: criteria provided, single submitter. Criteria: Ambry Variant Classification Scheme 2023. Collection method: clinical testing. Allele origin: germline.
Comment: The p.V239L variant (also known as c.715G>C), located in coding exon 9 of the MUTYH gene, results from a G to C substitution at nucleotide position 715. The valine at codon 239 is replaced by leucine, an amino acid with highly similar properties. This variant was not reported in population based cohorts in the following databases: Database of Single Nucleotide Polymorphisms (dbSNP), NHLBI Exome Sequencing Project (ESP), and 1000 Genomes Project. In the ESP, this variant was not observed in 6503 samples (13006 alleles) with coverage at this position. To date, this alteration has been detected with an allele frequency of approximately 0.001% (greater than 200000 alleles tested) in our clinical cohort. This amino acid position is highly conserved in available vertebrate species. In addition, this alteration is predicted to be deleterious by in silico analysis. Since supporting evidence is limited at this time, the clinical significance of this alteration remains unclear.